The following is an entry in ClinVar:

ClinVar aggregate classification (germline): Pathogenic/Likely pathogenic. Review status: criteria provided, multiple submitters, no conflicts (2 of 4 stars). 4 submissions from 4 submitters: Pathogenic (1); Likely pathogenic (2). 1 of the submissions does not count toward it. Last evaluated 2026-05-14.

Conditions:
Tuberous sclerosis syndrome (TSC). Also called: Tuberous Sclerosis Complex; Tuberous sclerosis. Identifiers: Orphanet 805, MedGen C0041341, MONDO:0001734.
Tuberous sclerosis 2 (TSC2). Identifiers: Orphanet 805, MedGen C1860707, MONDO:0013199, OMIM 613254.

Submissions (4):

Cambridge Genomics Laboratory, East Genomic Laboratory Hub, NHS Genomic Medicine Service
Classification: Pathogenic for Tuberous sclerosis. Last evaluated: 2026-05-14. Review status: criteria provided, single submitter. Criteria: ACGS Best Practice Guidelines for Variant Classification in Rare Disease 2020. Collection method: clinical testing. Allele origin: germline. Affected: yes.
Comment: PVS1,PM2,PP4

GeneDx
Classification: Likely pathogenic. Last evaluated: 2024-04-05. Review status: criteria provided, single submitter. Criteria: GeneDx Variant Classification Process June 2021. Collection method: clinical testing. Allele origin: germline. Affected: yes.
Comment: mRNA functional studies show that c.3610G>A caused abnormal splicing and exon 29 skipping in approximately 50% of transcripts (PMID: 30236073); Not observed at significant frequency in large population cohorts (gnomAD); Deletions involving coding exons of this gene are a known mechanism of disease (HGMD); This variant is associated with the following publications: (PMID: 28643793, 29101226, 37522346, 35060563, 32917966, 30236073, 38149783, 17304050)

Center for Human Genetics, Inc
Classification: Likely pathogenic for Tuberous sclerosis 2. Last evaluated: 2016-11-01. Review status: criteria provided, single submitter. Criteria: ACMG Guidelines, 2015. Collection method: clinical testing. Allele origin: germline. Affected: yes.

Tuberous sclerosis database (TSC2)
No classification provided. Condition: TSC. Review status: no classification provided. Criteria: Tuberous Sclerosis Database Assertion Criteria 2015. Collection method: curation. Allele origin: germline. Affected: yes. Not counted in ClinVar's aggregate classification.

NM_000548.5(TSC2):c.3610G>A (p.Gly1204Arg)

Gene: TSC2 (TSC complex subunit 2; plus strand). Cytogenetic location: 16p13.3.
Variant type: single nucleotide variant.
Coding change: c.3610G>A on transcript NM_000548.5 (MANE Select); coding-DNA position 3610, G replaced by A.
Protein change: p.Gly1204Arg; replaces glycine 1204 with arginine.
Molecular consequence: missense variant.
Genome position (GRCh38, 1-based): chr16:2,080,377, G>A. VCF-style: chr16-2080377-G-A. GRCh37 (hg19) VCF-style: chr16-2130378-G-A.
Other names: c.3478G>A, p.Gly1160Arg (NM_001077183.3, NM_001370404.1); c.3610G>A, p.Gly1204Arg (NM_001114382.3); c.3370G>A, p.Gly1124Arg (NM_001318827.2); c.3334G>A, p.Gly1112Arg (NM_001318829.2); c.2878G>A, p.Gly960Arg (NM_001318831.2); c.3511G>A, p.Gly1171Arg (NM_001318832.2); c.3481G>A, p.Gly1161Arg (NM_001363528.2, NM_001370405.1, NM_021055.3); short protein forms G1204R, G1171R, G1160R, G960R, G1112R, G1124R, G1161R.
Identifiers: ClinVar variation 49527 (VCV000049527.4), dbSNP rs1555511663, ClinGen allele CA019365.